The following is an entry in ClinVar:

ClinVar aggregate classification (germline): Pathogenic (1 of 4 stars; one submission).

Conditions:
Progressive sclerosing poliodystrophy (MTDPS4A). Also called: ALPERS PROGRESSIVE INFANTILE POLIODYSTROPHY; NEURONAL DEGENERATION OF CHILDHOOD WITH LIVER DISEASE, PROGRESSIVE; Alpers Syndrome; ALPERS DIFFUSE DEGENERATION OF CEREBRAL GRAY MATTER WITH HEPATIC CIRRHOSIS; Alpers-Huttenlocher Syndrome; Mitochondrial DNA depletion syndrome 4A (Alpers type). Identifiers: Orphanet 726, MedGen C0205710, MONDO:0008758, OMIM 203700.

Submission:

Labcorp Genetics (formerly Invitae), Labcorp
Classification: Pathogenic for Progressive sclerosing poliodystrophy. Last evaluated: 2020-11-04. Review status: criteria provided, single submitter. Criteria: Invitae Variant Classification Sherloc (09022015). Collection method: clinical testing. Allele origin: germline.
Comment: This sequence change creates a premature translational stop signal (p.Gly96Alafs*170) in the POLG gene. It is expected to result in an absent or disrupted protein product. Loss-of-function variants in POLG are known to be pathogenic (PMID: 18546365). This variant is not present in population databases (ExAC no frequency). This variant has not been reported in the literature in individuals with POLG-related conditions. For these reasons, this variant has been classified as Pathogenic.

Literature cited by the submitters: PubMed 18546365.

NM_002693.3(POLG):c.287del (p.Gly96fs)

Genes: POLG (DNA polymerase gamma, catalytic subunit; minus strand), POLGARF (POLG alternative reading frame; minus strand). Cytogenetic location: 15q26.1.
Variant type: Deletion.
Coding change: c.287del on transcript NM_002693.3 (MANE Select); coding-DNA position 287, one base deleted (G; older notation c.287delG).
Protein change: p.Gly96fs; shifts the reading frame from glycine 96.
Molecular consequence: frameshift variant.
Genome position (GRCh38, 1-based): chr15:89,333,468, C deleted on the plus strand (G on the coding strand, the reverse complement: POLG is on the minus strand); the first of 2 consecutive C bases (chr15:89,333,468-89,333,469); deleting either gives the same sequence. VCF-style (leftmost placement, unchanged base first): chr15-89333467-GC-G. GRCh37 (hg19) VCF-style: chr15-89876698-GC-G.
Other names: c.287del, p.Gly96fs (NM_001126131.2); short protein forms G96fs.
Identifiers: ClinVar variation 1455242 (VCV001455242.6), dbSNP rs2141815273, ClinGen allele CA2573151275.